The following is an entry in ClinVar:

NM_001772.4(CD33):c.849G>A (p.Lys283=)

Gene: CD33 (CD33 molecule; plus strand). Cytogenetic location: 19q13.41.
Variant type: single nucleotide variant.
Coding change: c.849G>A on transcript NM_001772.4 (MANE Select); coding-DNA position 849, G replaced by A.
Protein change: p.Lys283=; no amino-acid change (lysine 283 retained).
Molecular consequence: synonymous variant.
Genome position (GRCh38, 1-based): chr19:51,235,601, G>A. VCF-style: chr19-51235601-G-A. GRCh37 (hg19) VCF-style: chr19-51738856-G-A.
Other names: c.468G>A, p.Lys156= (NM_001082618.2); c.849G>A, p.Lys283= (NM_001177608.2).
Identifiers: ClinVar variation 4993122 (VCV004993122.1).

ClinVar aggregate classification (germline): Uncertain significance (1 of 4 stars; one submission).

Conditions:
CD33-related disorder. Also called: CD33-related condition.

Submission:

PreventionGenetics, part of Exact Sciences
Classification: Uncertain significance for CD33-related condition. Last evaluated: 2025-12-23. Review status: criteria provided, single submitter. Criteria: ACMG Guidelines, 2015. Collection method: clinical testing. Allele origin: germline.
Comment: The CD33 c.849G>A variant is not predicted to result in an amino acid change (p.=). This variant is predicted to impair splicing based on one available splicing algorithm (SpliceAI, Jaganathan et al. 2019. PubMed ID: 30661751). To our knowledge, this variant has not been reported in the literature or in a large population database (gnomAD), indicating this variant is rare. At this time, the clinical significance of this variant is uncertain due to the absence of conclusive functional and genetic evidence.